The following is an entry in ClinVar:

NM_002249.6(KCNN3):c.1449-3920T>G

Genes: KCNN3 (potassium calcium-activated channel subfamily N member 3; minus strand), LOC126805875 (CDK7 strongly-dependent group 2 enhancer GRCh37_chr1:154708837-154710036; plus strand). Cytogenetic location: 1q21.3.
Variant type: single nucleotide variant.
Coding change: c.1449-3920T>G on transcript NM_002249.6 (MANE Select); 3920 bases into the intron before coding-DNA position 1449, T replaced by G.
Molecular consequence: intron variant. On other transcripts: synonymous variant (2).
Genome position (GRCh38, 1-based): chr1:154,737,064, A>C on the plus strand (T>G on the coding strand, the complement: KCNN3 is on the minus strand). VCF-style: chr1-154737064-A-C. GRCh37 (hg19) VCF-style: chr1-154709540-A-C.
Other names: c.1473T>G, p.Ser491= (NM_001204087.2); c.534T>G, p.Ser178= (NM_001365837.1); c.534-3920T>G (NM_170782.3); c.510-3920T>G (NM_001365838.1).
Identifiers: ClinVar variation 2639378 (VCV002639378.24), dbSNP rs112506792, ClinGen allele CA1132048.

ClinVar aggregate classification (germline): Benign (1 of 4 stars; one submission).

Allele frequency attached by ClinVar (database versions not stated): 1000 Genomes Project 0.00419; 1000 Genomes Project 30x 0.00484; gnomAD 0.00768; TOPMed 0.00846; ExAC 0.00957; gnomAD exomes 0.00961.
gnomAD v4.1: 6,560 of 702,356 alleles (0.93%); highest among the groups gnomAD compares: Middle Eastern, 3.7%; 53 homozygotes.

Submission:

CeGaT Center for Human Genetics Tuebingen
Classification: Benign. Last evaluated: 2026-09-01. Review status: criteria provided, single submitter. Criteria: CeGaT Center For Human Genetics Tuebingen Variant Classification Criteria Version 2. Collection method: clinical testing. Allele origin: germline. Affected: yes. Observed: 35 variant alleles.
Comment: KCNN3: BS1, BS2